The following is an entry in ClinVar:

NM_004329.3(BMPR1A):c.531-20G>T

Gene: BMPR1A (bone morphogenetic protein receptor type 1A; plus strand). Cytogenetic location: 10q23.2.
Variant type: single nucleotide variant.
Coding change: c.531-20G>T on transcript NM_004329.3 (MANE Select); 20 bases into the intron before coding-DNA position 531, G replaced by T.
Molecular consequence: intron variant.
Genome position (GRCh38, 1-based): chr10:86,912,220, G>T. VCF-style: chr10-86912220-G-T. GRCh37 (hg19) VCF-style: chr10-88671977-G-T.
Other names: c.531-20G>T (NM_001406564.1, NM_001406566.1, NM_001406577.1 and 20 more transcripts); c.447-20G>T (NM_001406584.1, NM_001406588.1, NM_001406587.1 and 2 more transcripts); c.579-20G>T (NM_001406560.1); c.606-20G>T (NM_001406559.1); c.334-4914G>T (NM_001406589.1).
Identifiers: ClinVar variation 3378777 (VCV003378777.1).
Genomic context (GRCh38, chr10:86,912,220, plus strand): 5'-GTATAGAGAACCTCAAGGTTTTTCTTAGGGTTTTATAGTTTTTCATTTTTAATGTAGATT[G>T]TTTTCTGCTTTTTTAAAAGACATTATTGCAAGAGCATCTCAAGCAGACGTCGTTACAATC-3'

ClinVar aggregate classification (germline): Likely benign (1 of 4 stars; one submission).

Conditions:
Juvenile polyposis syndrome (JPS). Identifiers: Orphanet 2929, MedGen C0345893, MONDO:0017380, OMIM 174900.

Submission:

Myriad Genetics, Inc.
Classification: Likely benign for Juvenile polyposis syndrome. Last evaluated: 2024-08-01. Review status: criteria provided, single submitter. Criteria: Myriad Autosomal Dominant, Autosomal Recessive and X-Linked Classification Criteria (2023). Collection method: clinical testing. Allele origin: unknown.
Comment: This variant is considered likely benign. This variant is intronic and is not expected to impact mRNA splicing.